The following is an entry in ClinVar:

NM_001042413.2(GLIS3):c.2159G>A (p.Arg720Gln)

Gene: GLIS3 (GLIS family zinc finger 3; minus strand). Cytogenetic location: 9p24.2.
Variant type: single nucleotide variant.
Coding change: c.2159G>A on transcript NM_001042413.2 (MANE Select); coding-DNA position 2159, G replaced by A.
Protein change: p.Arg720Gln; replaces arginine 720 with glutamine.
Molecular consequence: missense variant.
Genome position (GRCh38, 1-based): chr9:3,879,565, C>T on the plus strand (G>A on the coding strand, the complement: GLIS3 is on the minus strand). VCF-style: chr9-3879565-C-T. GRCh37 (hg19) VCF-style: chr9-3879565-C-T.
Other names: c.1694G>A, p.Arg565Gln (NM_152629.4); c.2159G>A (NM_001042413.1); short protein forms R565Q, R720Q.
Identifiers: ClinVar variation 211085 (VCV000211085.10), dbSNP rs200316055, ClinGen allele CA209735.

ClinVar aggregate classification (germline): Conflicting classifications of pathogenicity. Review status: criteria provided, conflicting classifications (1 of 4 stars). 4 submissions from 4 submitters: Uncertain significance (3); Likely benign (1). Last evaluated 2026-05-22.

Conditions:
GLIS3-related disorder. Also called: GLIS3-related condition.
Inborn genetic diseases. Identifiers: MedGen C0950123, MeSH D030342.
Neonatal diabetes mellitus with congenital hypothyroidism. Also called: NDH SYNDROME. Identifiers: Orphanet 79118, MedGen C1857775, MONDO:0012436, OMIM 610199.

Allele frequency attached by ClinVar (database versions not stated): gnomAD 0.00005 and 0.00008; TOPMed 0.00007; ExAC 0.00014; gnomAD exomes 0.00016; 1000 Genomes Project 0.00060; 1000 Genomes Project 30x 0.00062.
gnomAD v4.1: 81 of 1,614,000 alleles (0.005%); highest among the groups gnomAD compares: East Asian, 0.08%; no homozygotes.

Submissions (4):

PreventionGenetics, part of Exact Sciences
Classification: Likely benign for GLIS3-related condition. Last evaluated: 2026-05-22. Review status: criteria provided, single submitter. Criteria: ACMG Guidelines, 2015. Collection method: clinical testing. Allele origin: germline.
Comment: This variant is classified as likely benign based on ACMG/AMP sequence variant interpretation guidelines (Richards et al. 2015 PMID: 25741868, with internal and published modifications).

Fulgent Genetics
Classification: Uncertain significance for Neonatal diabetes mellitus with congenital hypothyroidism. Last evaluated: 2024-02-28. Review status: criteria provided, single submitter. Criteria: ACMG Guidelines, 2015. Collection method: clinical testing. Allele origin: germline.

Ambry Genetics
Classification: Uncertain significance for Inborn genetic diseases. Last evaluated: 2022-06-09. Review status: criteria provided, single submitter. Criteria: Ambry Variant Classification Scheme 2023. Collection method: clinical testing. Allele origin: germline.

Genetic Services Laboratory, University of Chicago
Classification: Uncertain significance. Last evaluated: 2015-04-30. Review status: criteria provided, single submitter. Criteria: ACMG Guidelines, 2015. Collection method: clinical testing. Allele origin: germline.